The following is an entry in ClinVar:

NM_000489.6(ATRX):c.7066G>A (p.Ala2356Thr)

Gene: ATRX (ATRX chromatin remodeler; minus strand). Cytogenetic location: Xq21.1.
Variant type: single nucleotide variant.
Coding change: c.7066G>A on transcript NM_000489.6 (MANE Select); coding-DNA position 7066, G replaced by A.
Protein change: p.Ala2356Thr; replaces alanine 2356 with threonine.
Molecular consequence: missense variant.
Genome position (GRCh38, 1-based): chrX:77,521,408, C>T on the plus strand (G>A on the coding strand, the complement: ATRX is on the minus strand). VCF-style: chrX-77521408-C-T. GRCh37 (hg19) VCF-style: chrX-76776886-C-T.
Other names: c.6952G>A, p.Ala2318Thr (NM_138270.5); short protein forms A2318T, A2356T.
Identifiers: ClinVar variation 1696484 (VCV001696484.2), dbSNP rs1339589345, ClinGen allele CA413707561.

ClinVar aggregate classification (germline): Uncertain significance (1 of 4 stars; one submission).

Conditions:
Alpha thalassemia-X-linked intellectual disability syndrome (ATRX). Also called: ALPHA-THALASSEMIA/MENTAL RETARDATION SYNDROME, X-LINKED; ATR, NONDELETION TYPE; X-linked alpha-thalassemia-mental retardation syndrome; ATR-X syndrome; Alpha thalassemia mental retardation syndrome, nondeletion type, X-linked; XLMR hypotonic face syndrome. Identifiers: Orphanet 847, MedGen C1845055, MONDO:0010519, OMIM 301040.
Intellectual disability-hypotonic facies syndrome, X-linked, 1 (MRXHF1). Also called: XLMR-HYPOTONIC FACIES SYNDROME; X-linked intellectual disability-hypotonic face syndrome; Carpenter-Waziri syndrome; Smith Fineman Myers syndrome 1; CHUDLEY-LOWRY SYNDROME; Chudley syndrome 1. Identifiers: Orphanet 73220, Orphanet 93970, Orphanet 93971, Orphanet 93972, Orphanet 93973, Orphanet 93974, Orphanet 93975, MedGen C4759781, MONDO:0010663, OMIM 309580.

Submission:

New York Genome Center
Classification: Uncertain significance for Alpha thalassemia-X-linked intellectual disability syndrome; Intellectual disability-hypotonic facies syndrome, X-linked, 1. Last evaluated: 2021-08-27. Review status: criteria provided, single submitter. Criteria: NYGC Assertion Criteria 2020. Collection method: clinical testing. Allele origin: inherited. Observed: 1 hemizygote. Study: CSER-NYCKidSeq.
Comment: The variant is absent from the gnomAD(v3) database suggesting it is not a common benign variant in the populations represented in that database. The affected residue is not well conserved. In silico tools provide conflicting predictions about potential pathogenicity of this variant (CADD score = 20.9, REVEL score = 0.206). Based on the available evidence, the maternally inherited hemizygous c.7066G>A (p.Ala2356Thr) missense variant identified in ATRX is reported as a Variant of Uncertain Significance.